The following is an entry in ClinVar:

NM_001385012.1(NBEA):c.86G>C (p.Gly29Ala)

Gene: NBEA (neurobeachin; plus strand). Cytogenetic location: 13q13.3.
Variant type: single nucleotide variant.
Coding change: c.86G>C on transcript NM_001385012.1 (MANE Select); coding-DNA position 86, G replaced by C.
Protein change: p.Gly29Ala; replaces glycine 29 with alanine.
Molecular consequence: missense variant.
Genome position (GRCh38, 1-based): chr13:34,942,906, G>C. VCF-style: chr13-34942906-G-C. GRCh37 (hg19) VCF-style: chr13-35517043-G-C.
Other names: c.86G>C, p.Gly29Ala (NM_001379245.1, NM_015678.5); short protein forms G29A.
Identifiers: ClinVar variation 4847753 (VCV004847753.1).

ClinVar aggregate classification (germline): Uncertain significance (1 of 4 stars; one submission).

Submission:

Women's Health and Genetics/Laboratory Corporation of America, LabCorp
Classification: Uncertain significance. Last evaluated: 2026-03-23. Review status: criteria provided, single submitter. Criteria: LabCorp Variant Classification Summary - May 2015. Collection method: clinical testing. Allele origin: germline.
Comment: Variant summary: NBEA c.86G>C (p.Gly29Ala) results in a non-conservative amino acid change in the encoded protein sequence. Algorithms developed to predict the effect of missense changes on protein structure and function are either unavailable or do not agree on the potential impact of this missense change. The variant was absent in 105454 control chromosomes. The available data on variant occurrences in the general population are insufficient to allow any conclusion about variant significance. To our knowledge, no occurrence of c.86G>C in individuals affected with NBEA-related conditions and no experimental evidence demonstrating its impact on protein function have been reported. No submitters have cited clinical-significance assessments for this variant to ClinVar. Based on the evidence outlined above, the variant was classified as uncertain significance.